The following is an entry in ClinVar:

NM_001080466.2(BTBD17):c.492A>C (p.Gly164=)

Gene: BTBD17 (BTB domain containing 17; minus strand). Cytogenetic location: 17q25.1.
Variant type: single nucleotide variant.
Coding change: c.492A>C on transcript NM_001080466.2 (MANE Select); coding-DNA position 492, A replaced by C.
Protein change: p.Gly164=; no amino-acid change (glycine 164 retained).
Molecular consequence: synonymous variant.
Genome position (GRCh38, 1-based): chr17:74,357,602, T>G on the plus strand (A>C on the coding strand, the complement: BTBD17 is on the minus strand). VCF-style: chr17-74357602-T-G. GRCh37 (hg19) VCF-style: chr17-72353741-T-G.
Identifiers: ClinVar variation 2648216 (VCV002648216.24), dbSNP rs2054906756, ClinGen allele CA501738742.

ClinVar aggregate classification (germline): Likely benign (1 of 4 stars; one submission).

Submission:

CeGaT Center for Human Genetics Tuebingen
Classification: Likely benign. Last evaluated: 2026-08-01. Review status: criteria provided, single submitter. Criteria: CeGaT Center For Human Genetics Tuebingen Variant Classification Criteria Version 2. Collection method: clinical testing. Allele origin: germline. Affected: yes. Observed: 6 variant alleles.
Comment: BTBD17: PM2:Supporting, BP4, BP7